The following is an entry in ClinVar:

NM_001134831.2(AHI1):c.304A>G (p.Arg102Gly)

Gene: AHI1 (Abelson helper integration site 1; minus strand). Cytogenetic location: 6q23.3.
Variant type: single nucleotide variant.
Coding change: c.304A>G on transcript NM_001134831.2 (MANE Select); coding-DNA position 304, A replaced by G.
Protein change: p.Arg102Gly; replaces arginine 102 with glycine.
Molecular consequence: missense variant.
Genome position (GRCh38, 1-based): chr6:135,466,259, T>C on the plus strand (A>G on the coding strand, the complement: AHI1 is on the minus strand). VCF-style: chr6-135466259-T-C. GRCh37 (hg19) VCF-style: chr6-135787397-T-C.
Other names: c.304A>G, p.Arg102Gly (NM_001134830.2, NM_001134832.2, NM_001350503.2 and 2 more transcripts); short protein forms R102G.
Identifiers: ClinVar variation 2717578 (VCV002717578.3), dbSNP rs2485022027, ClinGen allele CA365752051.
Genomic context (GRCh38, chr6:135,466,259, plus strand): 5'-GTTTGTCTTCCTCTACACTAGCATCACCATTAGGATTTTCAGTTGCTAACTGTGTGTTCC[T>C]CAATTTGTTTTTAGTGACTCTCGTGCTCTTCTTCAGGTTGTTAGTGTTAGCAGCACTTAC-3'
Protein context (NP_001128303.1, residues 92-112): KSTRVTKNKL[Arg102Gly]NTQLATENPN

ClinVar aggregate classification (germline): Uncertain significance (1 of 4 stars; one submission).

Conditions:
Joubert syndrome. Also called: CEREBELLOPARENCHYMAL DISORDER IV; JOUBERT-BOLTSHAUSER SYNDROME; Familial aplasia of the vermis. Identifiers: Orphanet 475, MedGen C5979921, MONDO:0018772.

Submission:

Labcorp Genetics (formerly Invitae), Labcorp
Classification: Uncertain significance for Joubert syndrome. Last evaluated: 2023-06-16. Review status: criteria provided, single submitter. Criteria: Invitae Variant Classification Sherloc (09022015). Collection method: clinical testing. Allele origin: germline.
Comment: This variant has not been reported in the literature in individuals affected with AHI1-related conditions. In summary, the available evidence is currently insufficient to determine the role of this variant in disease. Therefore, it has been classified as a Variant of Uncertain Significance. Advanced modeling of protein sequence and biophysical properties (such as structural, functional, and spatial information, amino acid conservation, physicochemical variation, residue mobility, and thermodynamic stability) performed at Invitae indicates that this missense variant is not expected to disrupt AHI1 protein function. This variant is not present in population databases (gnomAD no frequency). This sequence change replaces arginine, which is basic and polar, with glycine, which is neutral and non-polar, at codon 102 of the AHI1 protein (p.Arg102Gly).